The following is an entry in ClinVar:

NM_080911.3(UNG):c.343A>T (p.Met115Leu)

Gene: UNG (uracil DNA glycosylase; plus strand). Cytogenetic location: 12q24.11.
Variant type: single nucleotide variant.
Coding change: c.343A>T on transcript NM_080911.3 (MANE Select); coding-DNA position 343, A replaced by T.
Protein change: p.Met115Leu; replaces methionine 115 with leucine.
Molecular consequence: missense variant.
Genome position (GRCh38, 1-based): chr12:109,099,192, A>T. VCF-style: chr12-109099192-A-T. GRCh37 (hg19) VCF-style: chr12-109536997-A-T.
Other names: c.316A>T, p.Met106Leu (NM_003362.4); short protein forms M115L, M106L.
Identifiers: ClinVar variation 3653814 (VCV003653814.2).

ClinVar aggregate classification (germline): Uncertain significance (1 of 4 stars; one submission).

Conditions:
Hyper-IgM syndrome type 5 (HIGM5). Also called: Hyper-IgM Immunodeficiency Syndrome, Type 5. Identifiers: Orphanet 101092, MedGen C1720958, MONDO:0011971, OMIM 608106.

Submission:

Labcorp Genetics (formerly Invitae), Labcorp
Classification: Uncertain significance for Hyper-IgM syndrome type 5. Last evaluated: 2024-05-22. Review status: criteria provided, single submitter. Criteria: Invitae Variant Classification Sherloc (09022015). Collection method: clinical testing. Allele origin: germline.
Comment: This sequence change replaces methionine, which is neutral and non-polar, with leucine, which is neutral and non-polar, at codon 115 of the UNG protein (p.Met115Leu). This variant is not present in population databases (gnomAD no frequency). This variant has not been reported in the literature in individuals affected with UNG-related conditions. Advanced modeling of protein sequence and biophysical properties (such as structural, functional, and spatial information, amino acid conservation, physicochemical variation, residue mobility, and thermodynamic stability) performed at Invitae indicates that this missense variant is not expected to disrupt UNG protein function with a negative predictive value of 80%. Algorithms developed to predict the effect of sequence changes on RNA splicing suggest that this variant may create or strengthen a splice site. In summary, the available evidence is currently insufficient to determine the role of this variant in disease. Therefore, it has been classified as a Variant of Uncertain Significance.